The following is an entry in ClinVar:

ClinVar aggregate classification (germline): Uncertain significance (1 of 4 stars; one submission).

Conditions:
GLUT1 deficiency syndrome 1, autosomal recessive. Identifiers: MedGen C3149117.

Submission:

Labcorp Genetics (formerly Invitae), Labcorp
Classification: Uncertain significance for GLUT1 deficiency syndrome 1, autosomal recessive. Last evaluated: 2024-09-11. Review status: criteria provided, single submitter. Criteria: Invitae Variant Classification Sherloc (09022015). Collection method: clinical testing. Allele origin: germline.
Comment: This sequence change falls in intron 3 of the SLC2A1 gene. It does not directly change the encoded amino acid sequence of the SLC2A1 protein. It affects a nucleotide within the consensus splice site. This variant is not present in population databases (gnomAD no frequency). This variant has not been reported in the literature in individuals affected with SLC2A1-related conditions. Variants that disrupt the consensus splice site are a relatively common cause of aberrant splicing (PMID: 17576681, 9536098). Algorithms developed to predict the effect of sequence changes on RNA splicing suggest that this variant is not likely to affect RNA splicing. In summary, the available evidence is currently insufficient to determine the role of this variant in disease. Therefore, it has been classified as a Variant of Uncertain Significance.

Literature cited by the submitters: PubMed 17576681; PubMed 9536098.

NM_006516.4(SLC2A1):c.275+6T>C

Gene: SLC2A1 (solute carrier family 2 member 1; minus strand). Cytogenetic location: 1p34.2.
Variant type: single nucleotide variant.
Coding change: c.275+6T>C on transcript NM_006516.4 (MANE Select); 6 bases into the intron after coding-DNA position 275, T replaced by C.
Molecular consequence: intron variant.
Genome position (GRCh38, 1-based): chr1:42,931,040, A>G on the plus strand (T>C on the coding strand, the complement: SLC2A1 is on the minus strand). VCF-style: chr1-42931040-A-G. GRCh37 (hg19) VCF-style: chr1-43396711-A-G.
Identifiers: ClinVar variation 3704283 (VCV003704283.2).